The following is an entry in ClinVar:

NM_000836.4(GRIN2D):c.3823C>T (p.Leu1275Phe)

Gene: GRIN2D (glutamate ionotropic receptor NMDA type subunit 2D; plus strand). Cytogenetic location: 19q13.33.
Variant type: single nucleotide variant.
Coding change: c.3823C>T on transcript NM_000836.4 (MANE Select); coding-DNA position 3823, C replaced by T.
Protein change: p.Leu1275Phe; replaces leucine 1275 with phenylalanine.
Molecular consequence: missense variant.
Genome position (GRCh38, 1-based): chr19:48,443,749, C>T. VCF-style: chr19-48443749-C-T. GRCh37 (hg19) VCF-style: chr19-48947006-C-T.
Other names: short protein forms L1275F.
Identifiers: ClinVar variation 3692018 (VCV003692018.2).

ClinVar aggregate classification (germline): Uncertain significance (1 of 4 stars; one submission).

Submission:

Labcorp Genetics (formerly Invitae), Labcorp
Classification: Uncertain significance. Last evaluated: 2024-10-23. Review status: criteria provided, single submitter. Criteria: Invitae Variant Classification Sherloc (09022015). Collection method: clinical testing. Allele origin: germline.
Comment: This sequence change replaces leucine, which is neutral and non-polar, with phenylalanine, which is neutral and non-polar, at codon 1275 of the GRIN2D protein (p.Leu1275Phe). This variant is not present in population databases (gnomAD no frequency). This variant has not been reported in the literature in individuals affected with GRIN2D-related conditions. Invitae Evidence Modeling of protein sequence and biophysical properties (such as structural, functional, and spatial information, amino acid conservation, physicochemical variation, residue mobility, and thermodynamic stability) indicates that this missense variant is not expected to disrupt GRIN2D protein function with a negative predictive value of 95%. In summary, the available evidence is currently insufficient to determine the role of this variant in disease. Therefore, it has been classified as a Variant of Uncertain Significance.